The following is an entry in ClinVar:

ClinVar aggregate classification (germline): Uncertain significance (1 of 4 stars; one submission).

Submission:

Labcorp Genetics (formerly Invitae), Labcorp
Classification: Uncertain significance. Last evaluated: 2025-10-21. Review status: criteria provided, single submitter. Criteria: Invitae Variant Classification Sherloc (09022015). Collection method: clinical testing. Allele origin: germline.
Comment: This sequence change creates a premature translational stop signal (p.Ala602Profs*2) in the RIPK1 gene. While this is not anticipated to result in nonsense mediated decay, it is expected to disrupt the last 70 amino acid(s) of the RIPK1 protein. This variant is not present in population databases (gnomAD no frequency). This variant has not been reported in the literature in individuals affected with RIPK1-related conditions. Experimental studies and prediction algorithms are not available or were not evaluated, and the functional significance of this variant is currently unknown. In summary, the available evidence is currently insufficient to determine the role of this variant in disease. Therefore, it has been classified as a Variant of Uncertain Significance.

NM_001354930.2(RIPK1):c.1803_1804del (p.Ala602fs)

Gene: RIPK1 (receptor interacting serine/threonine kinase 1; plus strand). Cytogenetic location: 6p25.2.
Variant type: Microsatellite.
Coding change: c.1803_1804del on transcript NM_001354930.2 (MANE Select); coding-DNA positions 1803 to 1804, 2 bases deleted (TG; older notation c.1803_1804delTG).
Protein change: p.Ala602fs; shifts the reading frame from alanine 602.
Molecular consequence: frameshift variant.
Genome position (GRCh38, 1-based): chr6:3,113,126-3,113,127, TG deleted; deleting any 2 consecutive bases within chr6:3,113,124-3,113,127 gives the same sequence; the c. name uses the placement nearest the transcript's 3' end. VCF-style (leftmost placement, unchanged base first): chr6-3113123-CTG-C. GRCh37 (hg19) VCF-style: chr6-3113357-CTG-C.
Other names: c.1314_1315del, p.Ala439fs (NM_001317061.3, NM_001354932.2, NM_001354933.2 and 1 more transcripts); c.1665_1666del, p.Ala556fs (NM_001354931.2); c.1803_1804del, p.Ala602fs (NM_003804.6); short protein forms A556fs, A439fs, A602fs.
Identifiers: ClinVar variation 1943549 (VCV001943549.5), dbSNP rs2533400932, ClinGen allele CA2580614818.